The following is an entry in ClinVar:

NM_000234.3(LIG1):c.1715A>G (p.Gln572Arg)

Gene: LIG1 (DNA ligase 1; minus strand). Cytogenetic location: 19q13.33.
Variant type: single nucleotide variant.
Coding change: c.1715A>G on transcript NM_000234.3 (MANE Select); coding-DNA position 1715, A replaced by G.
Protein change: p.Gln572Arg; replaces glutamine 572 with arginine.
Molecular consequence: missense variant. On other transcripts: non-coding transcript variant (6).
Genome position (GRCh38, 1-based): chr19:48,132,992, T>C on the plus strand (A>G on the coding strand, the complement: LIG1 is on the minus strand). VCF-style: chr19-48132992-T-C. GRCh37 (hg19) VCF-style: chr19-48636249-T-C.
Other names: c.1622A>G, p.Gln541Arg (NM_001289063.2); c.1511A>G, p.Gln504Arg (NM_001289064.2); c.1712A>G, p.Gln571Arg (NM_001320970.2); c.1625A>G, p.Gln542Arg (NM_001320971.2); short protein forms Q504R, Q542R, Q541R, Q571R, Q572R.
Identifiers: ClinVar variation 1424768 (VCV001424768.6), dbSNP rs764577674, ClinGen allele CA9546743.

ClinVar aggregate classification (germline): Uncertain significance (1 of 4 stars; one submission).

Allele frequency attached by ClinVar (database versions not stated): gnomAD exomes below 0.00001 and 0.00001; ExAC 0.00001.
gnomAD v4.1: 2 of 1,611,846 alleles (0.00012%); highest among the groups gnomAD compares: Admixed American, 0.0033%; no homozygotes.

Submission:

Labcorp Genetics (formerly Invitae), Labcorp
Classification: Uncertain significance. Last evaluated: 2023-08-17. Review status: criteria provided, single submitter. Criteria: Invitae Variant Classification Sherloc (09022015). Collection method: clinical testing. Allele origin: germline.
Comment: This variant has not been reported in the literature in individuals affected with LIG1-related conditions. This variant is present in population databases (rs764577674, gnomAD 0.006%). This sequence change replaces glutamine, which is neutral and polar, with arginine, which is basic and polar, at codon 572 of the LIG1 protein (p.Gln572Arg). ClinVar contains an entry for this variant (Variation ID: 1424768). In summary, the available evidence is currently insufficient to determine the role of this variant in disease. Therefore, it has been classified as a Variant of Uncertain Significance. An algorithm developed to predict the effect of missense changes on protein structure and function (PolyPhen-2) suggests that this variant is likely to be disruptive.